The following is an entry in ClinVar:

NM_018082.6(POLR3B):c.2476G>A (p.Val826Met)

Gene: POLR3B (RNA polymerase III subunit B; plus strand). Cytogenetic location: 12q23.3.
Variant type: single nucleotide variant.
Coding change: c.2476G>A on transcript NM_018082.6 (MANE Select); coding-DNA position 2476, G replaced by A.
Protein change: p.Val826Met; replaces valine 826 with methionine.
Molecular consequence: missense variant.
Genome position (GRCh38, 1-based): chr12:106,459,274, G>A. VCF-style: chr12-106459274-G-A. GRCh37 (hg19) VCF-style: chr12-106853052-G-A.
Other names: c.2302G>A, p.Val768Met (NM_001160708.2); short protein forms V768M, V826M.
Identifiers: ClinVar variation 1708101 (VCV001708101.1), dbSNP rs2037904925, ClinGen allele CA386389401.
Genomic context (GRCh38, chr12:106,459,274, plus strand): 5'-GATAACGATGTGCCTAACACTTTTCTTTTTTTCTCAGGTGAGAAAGTAGAAAACAAACAA[G>A]TGCTTGTAAATAAGTCCATGCCCACAGTGACTCAGATTCCTTTGGAAGGAAGTAATGTAC-3'
Protein context (NP_060552.4, residues 816-836): SPGEKVENKQ[Val826Met]LVNKSMPTVT

ClinVar aggregate classification (germline): Uncertain significance (1 of 4 stars; one submission).

Conditions:
Leukodystrophy, hypomyelinating, 8, with or without oligodontia and/or hypogonadotropic hypogonadism. Also called: LEUKODYSTROPHY, HYPOMYELINATING, 8, WITH HYPODONTIA AND HYPOGONADOTROPIC HYPOGONADISM; Hypomyelinating leukodystrophy 8 with or without oligodontia and-or hypogonadotropic hypogonadism; Endosteal sclerosis-cerebellar hypoplasia syndrome. Identifiers: Orphanet 85186, Orphanet 88637, MedGen C3280644, MONDO:0013722, OMIM 614381.

Allele frequency attached by ClinVar (database versions not stated): gnomAD exomes below 0.00001.
gnomAD v4.1: 1 of 1,603,936 alleles (0.000062%); highest among the groups gnomAD compares: Non-Finnish European, 0.000085%; no homozygotes.

Submission:

Laboratory of Medical Genetics, National & Kapodistrian University of Athens
Classification: Uncertain significance for Leukodystrophy, hypomyelinating, 8, with or without oligodontia and/or hypogonadotropic hypogonadism. Last evaluated: 2022-05-11. Review status: criteria provided, single submitter. Criteria: ACMG Guidelines, 2015. Collection method: clinical testing. Allele origin: germline. Affected: yes.
Comment: PM2, PP3